The following is an entry in ClinVar:

NM_001040142.2(SCN2A):c.1973G>A (p.Gly658Glu)

Gene: SCN2A (sodium voltage-gated channel alpha subunit 2; plus strand). Cytogenetic location: 2q24.3.
Variant type: single nucleotide variant.
Coding change: c.1973G>A on transcript NM_001040142.2 (MANE Select); coding-DNA position 1973, G replaced by A.
Protein change: p.Gly658Glu; replaces glycine 658 with glutamic acid.
Molecular consequence: missense variant.
Genome position (GRCh38, 1-based): chr2:165,323,457, G>A. VCF-style: chr2-165323457-G-A. GRCh37 (hg19) VCF-style: chr2-166179967-G-A.
Other names: c.1973G>A, p.Gly658Glu (NM_001040143.2, NM_001371246.1, NM_001371247.1 and 1 more transcripts); short protein forms G658E.
Identifiers: ClinVar variation 1989594 (VCV001989594.4), dbSNP rs2467934419, ClinGen allele CA349027746.
Genomic context (GRCh38, chr2:165,323,457, plus strand): 5'-TGCCCATGAATGGGAAGATGCATAGCGCTGTGGACTGCAATGGTGTGGTCTCCCTGGTCG[G>A]GGGCCCTTCTACCCTCACATCTGCTGGGCAGCTCCTACCAGAGGTGAGGCCAATTAAAAT-3'
Protein context (NP_001035232.1, residues 648-668): VDCNGVVSLV[Gly658Glu]GPSTLTSAGQ

ClinVar aggregate classification (germline): Uncertain significance (1 of 4 stars; one submission).

Conditions:
Developmental and epileptic encephalopathy, 11 (DEE11). Also called: Early infantile epileptic encephalopathy 11. Identifiers: Orphanet 1934, MedGen C3150987, MONDO:0013388, OMIM 613721.
Seizures, benign familial infantile, 3 (BFIS3). Also called: CONVULSIONS, BENIGN FAMILIAL INFANTILE, 3; Familial neonatal seizures. Identifiers: Orphanet 140927, Orphanet 306, MedGen C1843140, MONDO:0011904, OMIM 607745.

Submission:

Labcorp Genetics (formerly Invitae), Labcorp
Classification: Uncertain significance for Seizures, benign familial infantile, 3; Developmental and epileptic encephalopathy, 11. Last evaluated: 2022-10-08. Review status: criteria provided, single submitter. Criteria: Invitae Variant Classification Sherloc (09022015). Collection method: clinical testing. Allele origin: germline.
Comment: In summary, the available evidence is currently insufficient to determine the role of this variant in disease. Therefore, it has been classified as a Variant of Uncertain Significance. Advanced modeling of protein sequence and biophysical properties (such as structural, functional, and spatial information, amino acid conservation, physicochemical variation, residue mobility, and thermodynamic stability) has been performed at Invitae for this missense variant, however the output from this modeling did not meet the statistical confidence thresholds required to predict the impact of this variant on SCN2A protein function. This variant has not been reported in the literature in individuals affected with SCN2A-related conditions. This variant is not present in population databases (gnomAD no frequency). This sequence change replaces glycine, which is neutral and non-polar, with glutamic acid, which is acidic and polar, at codon 658 of the SCN2A protein (p.Gly658Glu).